The following is an entry in ClinVar:

NM_144599.5(NIPA1):c.384A>T (p.Leu128=)

Gene: NIPA1 (NIPA magnesium transporter 1; plus strand). Cytogenetic location: 15q11.2.
Variant type: single nucleotide variant.
Coding change: c.384A>T on transcript NM_144599.5 (MANE Select); coding-DNA position 384, A replaced by T.
Protein change: p.Leu128=; no amino-acid change (leucine 128 retained).
Molecular consequence: synonymous variant.
Genome position (GRCh38, 1-based): chr15:22,820,379, A>T. VCF-style: chr15-22820379-A-T. GRCh37 (hg19) VCF-style: chr15-23052689-T-A.
Other names: c.159A>T, p.Leu53= (NM_001142275.1).
Identifiers: ClinVar variation 4874570 (VCV004874570.2).

ClinVar aggregate classification (germline): Likely benign (1 of 4 stars; one submission).

Submission:

CeGaT Center for Human Genetics Tuebingen
Classification: Likely benign. Last evaluated: 2026-04-01. Review status: criteria provided, single submitter. Criteria: CeGaT Center For Human Genetics Tuebingen Variant Classification Criteria Version 2. Collection method: clinical testing. Allele origin: germline. Affected: yes. Observed: 1 variant allele.
Comment: NIPA1: PM2:Supporting, BP4, BP7